The following is an entry in ClinVar:

NC_000005.10:g.112849816A>C

Variant type: single nucleotide variant.
Genome position: GRCh38 VCF-style: chr5-112849816-A-C. GRCh37 (hg19) VCF-style: chr5-112185513-A-C.
Identifiers: ClinVar variation 83298 (VCV000083298.3), dbSNP rs566419, ClinGen allele CA250990.

ClinVar aggregate classification (germline): other (0 of 4 stars; one submission).

Conditions:
Familial colorectal cancer. Identifiers: MedGen CN280943, MONDO:0023113. Disease mechanism: loss of function.

Submission:

Systems Biology Platform Zhejiang California International NanoSystems Institute
Classification: other for Familial colorectal cancer. Review status: no assertion criteria provided. Collection method: not provided. Allele origin: unknown.
ClinVar note: Converted during submission from cancer to other.